The following is an entry in ClinVar:

ClinVar aggregate classification (germline): Uncertain significance. Review status: criteria provided, multiple submitters, no conflicts (2 of 4 stars). 2 submissions from 2 submitters: Uncertain significance (2). Last evaluated 2025-12-15.

Conditions:
Inborn genetic diseases. Identifiers: MedGen C0950123, MeSH D030342.

Allele frequency attached by ClinVar (database versions not stated): TOPMed 0.00002; gnomAD 0.00003; ESP Exome Variant Server 0.00008.
gnomAD v4.1: 25 of 1,612,844 alleles (0.0016%); highest among the groups gnomAD compares: South Asian, 0.014%; no homozygotes.

Submissions (2):

Ambry Genetics
Classification: Uncertain significance for Inborn genetic diseases. Last evaluated: 2025-12-15. Review status: criteria provided, single submitter. Criteria: Ambry Variant Classification Scheme 2023. Collection method: clinical testing. Allele origin: germline.
Comment: The c.53G>A (p.R18Q) alteration is located in exon 2 (coding exon 2) of the ACO2 gene. This alteration results from a G to A substitution at nucleotide position 53, causing the arginine (R) at amino acid position 18 to be replaced by a glutamine (Q). Based on data from gnomAD, the A allele has an overall frequency of 0.002% (4/250534) total alleles studied. The highest observed frequency was 0.01% (3/30598) of South Asian alleles. Based on insufficient or conflicting evidence, the clinical significance of this alteration remains unclear.

Labcorp Genetics (formerly Invitae), Labcorp
Classification: Uncertain significance. Last evaluated: 2022-07-06. Review status: criteria provided, single submitter. Criteria: Invitae Variant Classification Sherloc (09022015). Collection method: clinical testing. Allele origin: germline.
Comment: In summary, the available evidence is currently insufficient to determine the role of this variant in disease. Therefore, it has been classified as a Variant of Uncertain Significance. Advanced modeling of protein sequence and biophysical properties (such as structural, functional, and spatial information, amino acid conservation, physicochemical variation, residue mobility, and thermodynamic stability) performed at Invitae indicates that this missense variant is expected to disrupt ACO2 protein function. ClinVar contains an entry for this variant (Variation ID: 1471011). This variant has not been reported in the literature in individuals affected with ACO2-related conditions. This variant is present in population databases (rs200327053, gnomAD 0.01%). This sequence change replaces arginine, which is basic and polar, with glutamine, which is neutral and polar, at codon 18 of the ACO2 protein (p.Arg18Gln).

NM_001098.3(ACO2):c.53G>A (p.Arg18Gln)

Gene: ACO2 (aconitase 2; plus strand). Cytogenetic location: 22q13.2.
Variant type: single nucleotide variant.
Coding change: c.53G>A on transcript NM_001098.3 (MANE Select); coding-DNA position 53, G replaced by A.
Protein change: p.Arg18Gln; replaces arginine 18 with glutamine.
Molecular consequence: missense variant.
Genome position (GRCh38, 1-based): chr22:41,499,742, G>A. VCF-style: chr22-41499742-G-A. GRCh37 (hg19) VCF-style: chr22-41895746-G-A.
Other names: c.53G>A (NM_001098.2); short protein forms R18Q.
Identifiers: ClinVar variation 1471011 (VCV001471011.7), dbSNP rs200327053, ClinGen allele CA10257272.